The following is an entry in ClinVar:

NM_000053.4(ATP7B):c.1860A>C (p.Lys620Asn)

Gene: ATP7B (ATPase copper transporting beta; minus strand). Cytogenetic location: 13q14.3.
Variant type: single nucleotide variant.
Coding change: c.1860A>C on transcript NM_000053.4 (MANE Select); coding-DNA position 1860, A replaced by C.
Protein change: p.Lys620Asn; replaces lysine 620 with asparagine.
Molecular consequence: missense variant. On other transcripts: intron variant (3).
Genome position (GRCh38, 1-based): chr13:51,964,881, T>G on the plus strand (A>C on the coding strand, the complement: ATP7B is on the minus strand). VCF-style: chr13-51964881-T-G. GRCh37 (hg19) VCF-style: chr13-52539017-T-G.
Other names: c.1860A>C, p.Lys620Asn (NM_001005918.3, NM_001330578.2, NM_001330579.2 and 24 more transcripts); c.1527A>C, p.Lys509Asn (NM_001243182.2); c.1827A>C, p.Lys609Asn (NM_001406514.1, NM_001406524.1); c.1764A>C, p.Lys588Asn (NM_001406517.1, NM_001406518.1, NM_001406530.1 and 3 more transcripts); c.1431A>C, p.Lys477Asn (NM_001406539.1); c.1285+9054A>C (NM_001406548.1); c.1707+3563A>C (NM_001406547.1, NM_001406545.1); short protein forms K477N, K509N, K588N, K609N, K620N.
Identifiers: ClinVar variation 3770127 (VCV003770127.1).

ClinVar aggregate classification (germline): Uncertain significance (1 of 4 stars; one submission).

gnomAD v4.1: 1 of 1,614,052 alleles (0.000062%); highest among the groups gnomAD compares: African/African-American, 0.0013%; no homozygotes.

Submission:

GeneDx
Classification: Uncertain significance. Last evaluated: 2024-09-13. Review status: criteria provided, single submitter. Criteria: GeneDx Variant Classification Process June 2021. Collection method: clinical testing. Allele origin: germline. Affected: yes.
Comment: Not observed at significant frequency in large population cohorts (gnomAD); In silico analysis indicates that this missense variant does not alter protein structure/function; Has not been previously published as pathogenic or benign to our knowledge